The following is an entry in ClinVar:

NM_000153.4(GALC):c.205C>T (p.Arg69Ter)

Gene: GALC (galactosylceramidase; minus strand). Cytogenetic location: 14q31.3.
Variant type: single nucleotide variant.
Coding change: c.205C>T on transcript NM_000153.4 (MANE Select); coding-DNA position 205, C replaced by T.
Protein change: p.Arg69Ter; replaces arginine 69 with a stop codon.
Molecular consequence: nonsense. On other transcripts: intron variant (1).
Genome position (GRCh38, 1-based): chr14:87,988,514, G>A on the plus strand (C>T on the coding strand, the complement: GALC is on the minus strand). VCF-style: chr14-87988514-G-A. GRCh37 (hg19) VCF-style: chr14-88454858-G-A.
Other names: c.127C>T, p.Arg43Ter (NM_001201402.2); c.196-307C>T (NM_001201401.2); short protein forms R69*, R43*.
Identifiers: ClinVar variation 195020 (VCV000195020.30), dbSNP rs771111145, ClinGen allele CA275055.
Genomic context (GRCh38, chr14:87,988,514, plus strand): 5'-CCTTAAAGAGATAATCCAATATCTGAGAACGATAGGGCTCTGGGTAATTTACTAGAAGTC[G>A]GGAGGTTGCCTAAAAAAAAAAGTTTTCAAAAGTATGAATAAAAGAAATCCAGTCATGAAT-3'

ClinVar aggregate classification (germline): Pathogenic. Review status: criteria provided, multiple submitters, no conflicts (2 of 4 stars). 10 submissions from 10 submitters: Pathogenic (9). 1 of the submissions does not count toward it. Last evaluated 2026-01-05.

Conditions:
Galactosylceramide beta-galactosidase deficiency. Also called: Leukodystrophy, Globoid Cell; GALACTOCEREBROSIDASE DEFICIENCY; GALC DEFICIENCY; Krabbe Disease; GLOBOID CELL LEUKOENCEPHALOPATHY. Identifiers: Orphanet 487, MedGen C0023521, MONDO:0009499, OMIM 245200.

Allele frequency attached by ClinVar (database versions not stated): ExAC 0.00001; gnomAD 0.00001; gnomAD exomes 0.00001.

Submissions (10):

Labcorp Genetics (formerly Invitae), Labcorp
Classification: Pathogenic for Galactosylceramide beta-galactosidase deficiency. Last evaluated: 2026-01-05. Review status: criteria provided, single submitter. Criteria: Invitae Variant Classification Sherloc (09022015). Collection method: clinical testing. Allele origin: germline.
Comment: This sequence change creates a premature translational stop signal (p.Arg69*) in the GALC gene. It is expected to result in an absent or disrupted protein product. Loss-of-function variants in GALC are known to be pathogenic (PMID: 7437911, 9272171, 16607461). This variant is present in population databases (rs771111145, gnomAD 0.004%). This premature translational stop signal has been observed in individual(s) with Krabbe disease (PMID: 20886637). ClinVar contains an entry for this variant (Variation ID: 195020). For these reasons, this variant has been classified as Pathogenic.

3billion
Classification: Pathogenic for Galactosylceramide beta-galactosidase deficiency. Last evaluated: 2025-08-26. Review status: criteria provided, single submitter. Criteria: ACMG Guidelines, 2015. Collection method: clinical testing. Allele origin: germline. Affected: yes.
Comment: The variant is observed at an extremely low frequency in the gnomAD v4.1.0 dataset (total allele frequency: 0.002%). Predicted Consequence/Location: Stop-gained (nonsense): predicted to result in a loss or disruption of normal protein function through nonsense-mediated decay (NMD) or protein truncation. Multiple pathogenic variants are reported downstream of the variant. The variant has been reported at least twice as pathogenic with clinical assertions and evidence for the classification (ClinVar ID: VCV000195020 /PMID: 20886637). Therefore, this variant is classified as Pathogenic according to the recommendation of ACMG/AMP guideline.

CeGaT Center for Human Genetics Tuebingen
Classification: Pathogenic. Last evaluated: 2025-04-01. Review status: criteria provided, single submitter. Criteria: CeGaT Center For Human Genetics Tuebingen Variant Classification Criteria Version 2. Collection method: clinical testing. Allele origin: germline. Affected: yes. Observed: 1 variant allele.
Comment: GALC: PVS1, PM2, PM3:Supporting

Natera, Inc.
Classification: Pathogenic for Galactosylceramide beta-galactosidase deficiency. Last evaluated: 2025-03-11. Review status: criteria provided, single submitter. Criteria: Natera Variant Classification Schema (03/2026). Collection method: clinical testing. Allele origin: germline.
Comment: The c.205C>T variant in GALC is a nonsense variant predicted to introduce a stop codon at amino acid 69. This variant is expected to result in nonsense mediated decay, truncation, or a dysfunctional protein product. This variant is rare in the general population with a frequency below the threshold expected for the associated phenotype(s). This variant has been observed in one or more individuals affected with the associated recessive disease, as either homozygous or compound heterozygous with a second variant (PMID: 32912261, 21824559). Given the available evidence, this variant is classified as Pathogenic.

GeneDx
Classification: Pathogenic. Last evaluated: 2024-08-16. Review status: criteria provided, single submitter. Criteria: GeneDx Variant Classification Process June 2021. Collection method: clinical testing. Allele origin: germline. Affected: yes.
Comment: Nonsense variant predicted to result in protein truncation or nonsense-mediated decay in a gene for which loss-of-function is a known mechanism of disease, and published functional studies support a null allele (PMID: 27638593); Not observed at significant frequency in large population cohorts (gnomAD); Also known as c.157C>T, p.R53* due to the use of alternate nomenclature; This variant is associated with the following publications: (PMID: 25525159, 27638593, 20886637)

Fulgent Genetics
Classification: Pathogenic for Galactosylceramide beta-galactosidase deficiency. Last evaluated: 2024-04-18. Review status: criteria provided, single submitter. Criteria: ACMG Guidelines, 2015. Collection method: clinical testing. Allele origin: germline.

Revvity Omics, Revvity
Classification: Pathogenic. Last evaluated: 2020-10-23. Review status: criteria provided, single submitter. Criteria: ACMG Guidelines, 2015. Collection method: clinical testing. Allele origin: germline.

Women's Health and Genetics/Laboratory Corporation of America, LabCorp
Classification: Pathogenic for Galactosylceramide beta-galactosidase deficiency. Last evaluated: 2017-01-19. Review status: criteria provided, single submitter. Criteria: LabCorp Variant Classification Summary - May 2015. Collection method: clinical testing. Allele origin: germline.
Comment: Variant summary: The GALC c.205C>T (p.Arg69X) variant results in a premature termination codon, predicted to cause a truncated or absent GALC protein due to nonsense mediated decay, which are commonly known mechanisms for disease. One in silico tool predicts a damaging outcome for this variant. This variant was found in 1/119986 control chromosomes at a frequency of 0.0000083, which does not exceed the estimated maximal expected allele frequency of a pathogenic GALC variant (0.0022361). The variant was reported in multiple affected individuals in the literature, and was shown to result in <10% GALC activity in a functional study where the variant was expressed in COS1 cells (Saavedra-Matiz_2016). In addition, multiple clinical diagnostic laboratories/reputable databases classified this variant as pathogenic. Taken together, this variant is classified as pathogenic.

Eurofins Ntd Llc (ga)
Classification: Pathogenic. Last evaluated: 2014-08-22. Review status: criteria provided, single submitter. Criteria: EGL Classification Definitions 2015. Collection method: clinical testing. Allele origin: germline. Observed: 4 variant alleles, 4 heterozygotes.

Counsyl
Classification: Likely pathogenic for Galactosylceramide beta-galactosidase deficiency. Last evaluated: 2015-07-15. Review status: no assertion criteria provided. Collection method: clinical testing. Allele origin: unknown. Not counted in ClinVar's aggregate classification.

Literature cited by the submitters: PubMed 7437911 (cited by Labcorp Genetics (formerly Invitae), Labcorp); PubMed 9272171 (cited by Labcorp Genetics (formerly Invitae), Labcorp); PubMed 16607461 (cited by Labcorp Genetics (formerly Invitae), Labcorp); PubMed 20886637 (cited by 4 submitters); PubMed 32912261 (cited by Natera, Inc.); PubMed 21824559 (cited by Natera, Inc. and Women's Health and Genetics/Laboratory Corporation of America, LabCorp); PubMed 26795590 (cited by Women's Health and Genetics/Laboratory Corporation of America, LabCorp).